The following is an entry in ClinVar:

ClinVar aggregate classification (germline): Uncertain significance (1 of 4 stars; one submission).

Submission:

GeneDx
Classification: Uncertain significance. Last evaluated: 2026-05-20. Review status: criteria provided, single submitter. Criteria: GeneDx Variant Classification Process June 2021. Collection method: clinical testing. Allele origin: germline.
Comment: Not observed at significant frequency in large population cohorts (gnomAD); In silico analysis suggests that this missense variant does not alter protein structure/function; Has not been previously published as pathogenic or benign to our knowledge

NM_015570.4(AUTS2):c.2443C>A (p.Leu815Met)

Gene: AUTS2 (activator of transcription and developmental regulator AUTS2; plus strand). Cytogenetic location: 7q11.22.
Variant type: single nucleotide variant.
Coding change: c.2443C>A on transcript NM_015570.4 (MANE Select); coding-DNA position 2443, C replaced by A.
Protein change: p.Leu815Met; replaces leucine 815 with methionine.
Molecular consequence: missense variant.
Genome position (GRCh38, 1-based): chr7:70,787,343, C>A. VCF-style: chr7-70787343-C-A. GRCh37 (hg19) VCF-style: chr7-70252329-C-A.
Other names: c.2371C>A, p.Leu791Met (NM_001127231.3); short protein forms L791M, L815M.
Identifiers: ClinVar variation 3370039 (VCV003370039.2).